The following is an entry in ClinVar:

NM_000250.2(MPO):c.125C>T (p.Thr42Met)

Genes: MPO (myeloperoxidase; minus strand), LOC106694315 (MPO proximal enhancer and promoter region; plus strand). Cytogenetic location: 17q22.
Variant type: single nucleotide variant.
Coding change: c.125C>T on transcript NM_000250.2 (MANE Select); coding-DNA position 125, C replaced by T.
Protein change: p.Thr42Met; replaces threonine 42 with methionine.
Molecular consequence: missense variant.
Genome position (GRCh38, 1-based): chr17:58,280,634, G>A on the plus strand (C>T on the coding strand, the complement: MPO is on the minus strand). VCF-style: chr17-58280634-G-A. GRCh37 (hg19) VCF-style: chr17-56357995-G-A.
Other names: short protein forms T42M.
Identifiers: ClinVar variation 3912709 (VCV003912709.3).

ClinVar aggregate classification (germline): Conflicting classifications of pathogenicity. Review status: criteria provided, conflicting classifications (1 of 4 stars). 2 submissions from 2 submitters: Uncertain significance (1); Likely benign (1). Last evaluated 2025-06-06.

Submissions (2):

Ambry Genetics
Classification: Likely benign. Last evaluated: 2025-06-06. Review status: criteria provided, single submitter. Criteria: Ambry Variant Classification Scheme 2023. Collection method: clinical testing. Allele origin: germline.

Dasa
Classification: Uncertain significance. Last evaluated: 2025-01-25. Review status: criteria provided, single submitter. Criteria: DASA Assertion Criteria. Collection method: clinical testing. Allele origin: germline.
Comment: NM_000250.2(MPO):c.125C>T (p.Thr42Met) is a missense variant that results in the substitution of threonine with methionine. This variant is rare in population databases. Computational prediction algorithms are consistent with a benign effect. The currently available literature and clinical evidence are not sufficient to establish a definitive association between this variant and the reported condition. Therefore, this variant is classified as a variant of uncertain significance.